The following is an entry in ClinVar:

ClinVar aggregate classification (germline): Uncertain significance. Review status: criteria provided, single submitter (1 of 4 stars). 2 submissions from 2 submitters: Uncertain significance (1). 1 of the submissions does not count toward it. Last evaluated 2022-07-10.

Conditions:
Becker muscular dystrophy, Cardiomyopathy, Duchenne muscular dystrophy, Dystrophin deficiency.
Duchenne muscular dystrophy (DMD). Also called: MUSCULAR DYSTROPHY, PSEUDOHYPERTROPHIC PROGRESSIVE, DUCHENNE TYPE; Duchenne Muscular Dystrophy (DMD). Identifiers: Orphanet 98896, MedGen C0013264, MONDO:0010679, OMIM 310200.

Submissions (2):

Labcorp Genetics (formerly Invitae), Labcorp
Classification: Uncertain significance for Duchenne muscular dystrophy. Last evaluated: 2022-07-10. Review status: criteria provided, single submitter. Criteria: Invitae Variant Classification Sherloc (09022015). Collection method: clinical testing. Allele origin: germline.
Comment: This sequence change replaces glutamic acid, which is acidic and polar, with glycine, which is neutral and non-polar, at codon 2381 of the DMD protein (p.Glu2381Gly). This variant is not present in population databases (gnomAD no frequency). This variant has not been reported in the literature in individuals affected with DMD-related conditions. Algorithms developed to predict the effect of missense changes on protein structure and function output the following: SIFT: "Tolerated"; PolyPhen-2: "Benign"; Align-GVGD: "Class C0". The glycine amino acid residue is found in multiple mammalian species, which suggests that this missense change does not adversely affect protein function. In summary, the available evidence is currently insufficient to determine the role of this variant in disease. Therefore, it has been classified as a Variant of Uncertain Significance.

Natera, Inc.
Classification: Uncertain significance for Becker muscular dystrophy, Cardiomyopathy, Duchenne muscular dystrophy, Dystrophin deficiency. Last evaluated: 2025-05-19. Review status: no assertion criteria provided. Collection method: clinical testing. Allele origin: germline. Not counted in ClinVar's aggregate classification.

NM_004006.3(DMD):c.7142A>G (p.Glu2381Gly)

Gene: DMD (dystrophin; minus strand). Cytogenetic location: Xp21.1.
Variant type: single nucleotide variant.
Coding change: c.7142A>G on transcript NM_004006.3 (MANE Select); coding-DNA position 7142, A replaced by G.
Protein change: p.Glu2381Gly; replaces glutamic acid 2381 with glycine.
Molecular consequence: missense variant. On other transcripts: 5 prime UTR variant (5).
Genome position (GRCh38, 1-based): chrX:31,836,776, T>C on the plus strand (A>G on the coding strand, the complement: DMD is on the minus strand). VCF-style: chrX-31836776-T-C. GRCh37 (hg19) VCF-style: chrX-31854893-T-C.
Other names: c.7118A>G, p.Glu2373Gly (NM_000109.4); c.7130A>G, p.Glu2377Gly (NM_004009.3); c.6773A>G, p.Glu2258Gly (NM_004010.3); c.3119A>G, p.Glu1040Gly (NM_004011.4); c.3110A>G, p.Glu1037Gly (NM_004012.4); c.-239A>G (NM_004013.3, NM_004020.4, NM_004021.3 and 2 more transcripts); short protein forms E2258G, E2373G, E2377G, E2381G, E1040G, E1037G.
Identifiers: ClinVar variation 2039614 (VCV002039614.2), dbSNP rs2531880618, ClinGen allele CA412659344.